The following is an entry in ClinVar:

ClinVar aggregate classification (germline): Uncertain significance. Review status: criteria provided, multiple submitters, no conflicts (2 of 4 stars). 2 submissions from 2 submitters: Uncertain significance (2). Last evaluated 2025-10-16.

Conditions:
Baller-Gerold syndrome (BGS). Also called: CRANIOSYNOSTOSIS WITH RADIAL DEFECTS. Identifiers: Orphanet 1225, MedGen C0265308, MONDO:0009039, OMIM 218600.
Inborn genetic diseases. Identifiers: MedGen C0950123, MeSH D030342.

Submissions (2):

Ambry Genetics
Classification: Uncertain significance for Inborn genetic diseases. Last evaluated: 2025-10-16. Review status: criteria provided, single submitter. Criteria: Ambry Variant Classification Scheme 2023. Collection method: clinical testing. Allele origin: germline.
Comment: The p.G387E variant (also known as c.1160G>A), located in coding exon 6 of the RECQL4 gene, results from a G to A substitution at nucleotide position 1160. The glycine at codon 387 is replaced by glutamic acid, an amino acid with similar properties. This amino acid position is conserved. In addition, this alteration is predicted to be tolerated by in silico analysis. Based on the available evidence, the clinical significance of this variant remains unclear.

Labcorp Genetics (formerly Invitae), Labcorp
Classification: Uncertain significance for Baller-Gerold syndrome. Last evaluated: 2024-08-09. Review status: criteria provided, single submitter. Criteria: Invitae Variant Classification Sherloc (09022015). Collection method: clinical testing. Allele origin: germline.
Comment: This sequence change replaces glycine, which is neutral and non-polar, with glutamic acid, which is acidic and polar, at codon 387 of the RECQL4 protein (p.Gly387Glu). This variant is not present in population databases (gnomAD no frequency). This variant has not been reported in the literature in individuals affected with RECQL4-related conditions. Advanced modeling of protein sequence and biophysical properties (such as structural, functional, and spatial information, amino acid conservation, physicochemical variation, residue mobility, and thermodynamic stability) performed at Invitae indicates that this missense variant is not expected to disrupt RECQL4 protein function with a negative predictive value of 80%. In summary, the available evidence is currently insufficient to determine the role of this variant in disease. Therefore, it has been classified as a Variant of Uncertain Significance.

NM_004260.4(RECQL4):c.1160G>A (p.Gly387Glu)

Gene: RECQL4 (RecQ like helicase 4; minus strand). Cytogenetic location: 8q24.3.
Variant type: single nucleotide variant.
Coding change: c.1160G>A on transcript NM_004260.4 (MANE Select); coding-DNA position 1160, G replaced by A.
Protein change: p.Gly387Glu; replaces glycine 387 with glutamic acid.
Molecular consequence: missense variant. On other transcripts: synonymous variant (5), non-coding transcript variant (3), intron variant (1).
Genome position (GRCh38, 1-based): chr8:144,515,862, C>T on the plus strand (G>A on the coding strand, the complement: RECQL4 is on the minus strand). VCF-style: chr8-144515862-C-T. GRCh37 (hg19) VCF-style: chr8-145741246-C-T.
Other names: c.1064G>A, p.Gly355Glu (NM_001413017.1, NM_001413020.1); c.1160G>A, p.Gly387Glu (NM_001413018.1, NM_001413019.1, NM_001413033.1 and 2 more transcripts); c.89G>A, p.Gly30Glu (NM_001413021.1, NM_001413022.1, NM_001413023.1 and 8 more transcripts); c.1031G>A, p.Gly344Glu (NM_001413025.1); c.27G>A, p.Arg9= (NM_001413027.1, NM_001413030.1, NM_001413031.1 and 2 more transcripts); c.809G>A, p.Gly270Glu (NM_001413029.1); c.-210+126G>A (NM_001413043.1); c.1160G>A (NM_004260.3); short protein forms G344E, G355E, G387E, G270E, G30E.
Identifiers: ClinVar variation 2903880 (VCV002903880.4), dbSNP rs369815468, ClinGen allele CA372687748.